The following is an entry in ClinVar:

NM_005515.4(MNX1):c.541G>A (p.Ala181Thr)

Gene: MNX1 (motor neuron and pancreas homeobox 1; minus strand). Cytogenetic location: 7q36.3.
Variant type: single nucleotide variant.
Coding change: c.541G>A on transcript NM_005515.4 (MANE Select); coding-DNA position 541, G replaced by A.
Protein change: p.Ala181Thr; replaces alanine 181 with threonine.
Molecular consequence: missense variant.
Genome position (GRCh38, 1-based): chr7:157,009,810, C>T on the plus strand (G>A on the coding strand, the complement: MNX1 is on the minus strand). VCF-style: chr7-157009810-C-T. GRCh37 (hg19) VCF-style: chr7-156802504-C-T.
Other names: short protein forms A181T.
Identifiers: ClinVar variation 2886961 (VCV002886961.3), dbSNP rs753775463, ClinGen allele CA4589278.

ClinVar aggregate classification (germline): Uncertain significance (1 of 4 stars; one submission).

Allele frequency attached by ClinVar (database versions not stated): gnomAD 0.00001; TOPMed 0.00002; ExAC 0.00005.
gnomAD v4.1: 22 of 1,541,684 alleles (0.0014%); highest among the groups gnomAD compares: Middle Eastern, 0.023%; no homozygotes.

Submission:

Labcorp Genetics (formerly Invitae), Labcorp
Classification: Uncertain significance. Last evaluated: 2023-11-24. Review status: criteria provided, single submitter. Criteria: Invitae Variant Classification Sherloc (09022015). Collection method: clinical testing. Allele origin: germline.
Comment: This sequence change replaces alanine, which is neutral and non-polar, with threonine, which is neutral and polar, at codon 181 of the MNX1 protein (p.Ala181Thr). This variant is present in population databases (rs753775463, gnomAD 0.008%). This variant has not been reported in the literature in individuals affected with MNX1-related conditions. Advanced modeling of protein sequence and biophysical properties (such as structural, functional, and spatial information, amino acid conservation, physicochemical variation, residue mobility, and thermodynamic stability) performed at Invitae indicates that this missense variant is not expected to disrupt MNX1 protein function with a negative predictive value of 80%. Algorithms developed to predict the effect of sequence changes on RNA splicing suggest that this variant may create or strengthen a splice site. In summary, the available evidence is currently insufficient to determine the role of this variant in disease. Therefore, it has been classified as a Variant of Uncertain Significance.